The following is an entry in ClinVar:

ClinVar aggregate classification (germline): Pathogenic (1 of 4 stars; one submission).

Conditions:
Familial adenomatous polyposis 1 (FAP1). Also called: FAMILIAL ADENOMATOUS POLYPOSIS 1, ATTENUATED; POLYPOSIS, ADENOMATOUS INTESTINAL. Identifiers: MedGen C2713442, MONDO:0021056, OMIM 175100. Disease mechanism: loss of function.

Submission:

Labcorp Genetics (formerly Invitae), Labcorp
Classification: Pathogenic for Familial adenomatous polyposis 1. Last evaluated: 2024-10-22. Review status: criteria provided, single submitter. Criteria: Invitae Variant Classification Sherloc (09022015). Collection method: clinical testing. Allele origin: germline.
Comment: This sequence change creates a premature translational stop signal (p.Lys2180Argfs*2) in the APC gene. While this is not anticipated to result in nonsense mediated decay, it is expected to disrupt the last 664 amino acid(s) of the APC protein. This variant is not present in population databases (gnomAD no frequency). This variant has not been reported in the literature in individuals affected with APC-related conditions. This variant disrupts a region of the APC protein in which other variant(s) (p.Tyr2645Lysfs*14) have been determined to be pathogenic (PMID: 1316610, 8381579, 9824584, 22135120, 27081525; internal data). This suggests that this is a clinically significant region of the protein, and that variants that disrupt it are likely to be disease-causing. For these reasons, this variant has been classified as Pathogenic.

Literature cited by the submitters: PubMed 1316610; PubMed 8381579; PubMed 9824584; PubMed 22135120; PubMed 27081525.

NM_000038.6(APC):c.6539del (p.Lys2180fs)

Gene: APC (APC regulator of Wnt signaling pathway; plus strand). Cytogenetic location: 5q22.2.
Variant type: Deletion.
Coding change: c.6539del on transcript NM_000038.6 (MANE Select); coding-DNA position 6539, one base deleted (A; older notation c.6539delA).
Protein change: p.Lys2180fs; shifts the reading frame from lysine 2180.
Molecular consequence: frameshift variant. On other transcripts: non-coding transcript variant (2).
Genome position (GRCh38, 1-based): chr5:112,842,133, A deleted; the last of 5 consecutive A bases (chr5:112,842,129-112,842,133); deleting any one gives the same sequence. VCF-style (leftmost placement, unchanged base first): chr5-112842128-TA-T. GRCh37 (hg19) VCF-style: chr5-112177825-TA-T.
Other names: c.6539del, p.Lys2180fs (NM_001127510.3, NM_001354895.2, NM_001407450.1); c.6485del, p.Lys2162fs (NM_001127511.3); c.6593del, p.Lys2198fs (NM_001354896.2, NM_001407447.1, NM_001407448.1 and 1 more transcripts); c.6569del, p.Lys2190fs (NM_001354897.2); c.6464del, p.Lys2155fs (NM_001354898.2); c.6455del, p.Lys2152fs (NM_001354899.2); c.6416del, p.Lys2139fs (NM_001354900.2); c.6362del, p.Lys2121fs (NM_001354901.2, NM_001407453.1); and 11 more; short protein forms K1897fs, K2180fs, K2198fs, K2208fs, K1796fs, K2020fs, K2051fs, K2139fs.
Identifiers: ClinVar variation 3723498 (VCV003723498.2).